The following is an entry in ClinVar:

NM_004281.4(BAG3):c.1131_1134del (p.Ser377fs)

Gene: BAG3 (BAG cochaperone 3; plus strand). Cytogenetic location: 10q26.11.
Variant type: Deletion.
Coding change: c.1131_1134del on transcript NM_004281.4 (MANE Select); coding-DNA positions 1131 to 1134, 4 bases deleted (CCCT; older notation c.1131_1134delCCCT).
Protein change: p.Ser377fs; shifts the reading frame from serine 377.
Molecular consequence: frameshift variant.
Genome position (GRCh38, 1-based): chr10:119,676,685-119,676,688, CCCT deleted. VCF-style (leftmost placement, unchanged base first): chr10-119676684-GCCCT-G. GRCh37 (hg19) VCF-style: chr10-121436196-GCCCT-G.
Other names: short protein forms S377fs.
Identifiers: ClinVar variation 2501612 (VCV002501612.5), dbSNP rs2494023044, ClinGen allele CA2580616876.
Genomic context (GRCh38, chr10:119,676,684, plus strand): 5'-CTCCCTCTGAGAAGGTAGAGGTGAAAGTTCCCCCTGCTCCAGTTCCTTGTCCTCCTCCCA[GCCCT>G]GGCCCTTCTGCTGTCCCCTCTTCCCCCAAGAGTGTGGCTACAGAAGAGAGGGCAGCCCCC-3'

ClinVar aggregate classification (germline): Pathogenic/Likely pathogenic. Review status: criteria provided, multiple submitters, no conflicts (2 of 4 stars). 3 submissions from 3 submitters: Pathogenic (2); Likely pathogenic (1). Last evaluated 2026-05-29.

Conditions:
Dilated cardiomyopathy 1HH (CMD1HH). Identifiers: Orphanet 154, MedGen C3151293, MONDO:0013479, OMIM 613881.
Myofibrillar myopathy 6. Identifiers: Orphanet 199340, MedGen C2751831, MONDO:0013061, OMIM 612954.
Cardiovascular phenotype. Identifiers: MedGen CN230736.

Submissions (3):

GeneDx
Classification: Likely pathogenic. Last evaluated: 2026-05-29. Review status: criteria provided, single submitter. Criteria: GeneDx Variant Classification Process June 2021. Collection method: clinical testing. Allele origin: germline.
Comment: Frameshift variant predicted to result in abnormal protein length as the last 199 amino acid(s) are replaced with 45 different amino acid(s), and other similar variants have been reported in HGMD; Not observed at significant frequency in large population cohorts (gnomAD); Has not been previously published as pathogenic or benign to our knowledge; This variant is associated with the following publications: (PMID: 20001957)

Ambry Genetics
Classification: Pathogenic for Cardiovascular phenotype. Last evaluated: 2024-10-30. Review status: criteria provided, single submitter. Criteria: Ambry Variant Classification Scheme 2023. Collection method: clinical testing. Allele origin: germline.
Comment: The c.1131_1134delCCCT pathogenic mutation, located in coding exon 4 of the BAG3 gene, results from a deletion of 4 nucleotides at nucleotide positions 1131 to 1134, causing a translational frameshift with a predicted alternate stop codon (p.S377Rfs*46). This alteration occurs at the 3' terminus of theBAG3 gene, is not expected to trigger nonsense-mediated mRNA decay, and only impacts the last 34% of the protein. However, premature stop codons are typically deleterious in nature and a significant portion of the protein is affected (Ambry internal data). This variant is considered to be rare based on population cohorts in the Genome Aggregation Database (gnomAD). As such, this alteration is interpreted as a disease-causing mutation for autosomal dominant BAG3-related dilated cardiomyopathy; however, its clinical significance for autosomal dominant BAG3-related myofibrillar myopathy is uncertain.

Labcorp Genetics (formerly Invitae), Labcorp
Classification: Pathogenic for Dilated cardiomyopathy 1HH; Myofibrillar myopathy 6. Last evaluated: 2024-07-24. Review status: criteria provided, single submitter. Criteria: Invitae Variant Classification Sherloc (09022015). Collection method: clinical testing. Allele origin: germline.
Comment: This sequence change creates a premature translational stop signal (p.Ser377Argfs*46) in the BAG3 gene. While this is not anticipated to result in nonsense mediated decay, it is expected to disrupt the last 199 amino acid(s) of the BAG3 protein. This variant is not present in population databases (gnomAD no frequency). This variant has not been reported in the literature in individuals affected with BAG3-related conditions. ClinVar contains an entry for this variant (Variation ID: 2501612). This variant disrupts a region of the BAG3 protein in which other variant(s) (p.Arg473*) have been determined to be pathogenic (PMID: 28436997, 32160020). This suggests that this is a clinically significant region of the protein, and that variants that disrupt it are likely to be disease-causing. For these reasons, this variant has been classified as Pathogenic.

Literature cited by the submitters: PubMed 28436997 (cited by Labcorp Genetics (formerly Invitae), Labcorp); PubMed 32160020 (cited by Labcorp Genetics (formerly Invitae), Labcorp).